The following is an entry in ClinVar:

ClinVar aggregate classification (germline): Pathogenic. Review status: reviewed by expert panel (3 of 4 stars). 3 submissions from 3 submitters: Pathogenic (1). 2 of the submissions do not count toward it. Last evaluated 2017-12-15.

Conditions:
Hereditary cancer-predisposing syndrome. Also called: Hereditary Cancer Syndrome; Neoplastic Syndromes, Hereditary; Hereditary neoplastic syndrome; Tumor predisposition. Identifiers: Orphanet 140162, MedGen C0027672, MeSH D009386, MONDO:0015356.
Breast-ovarian cancer, familial, susceptibility to, 1 (BROVCA1). Also called: BRCA1 Hereditary Breast and Ovarian Cancer; OVARIAN CANCER, SUSCEPTIBILITY TO. Identifiers: Orphanet 145, MedGen C2676676, MONDO:0011450, OMIM 604370. Disease mechanism: loss of function.

Submissions (3):

Evidence-based Network for the Interpretation of Germline Mutant Alleles (ENIGMA)
Classification: Pathogenic for Breast-ovarian cancer, familial, susceptibility to, 1. Last evaluated: 2017-12-15. Review status: reviewed by expert panel. Criteria: ENIGMA BRCA1/2 Classification Criteria (2017-06-29). Collection method: curation. Allele origin: germline. Study: ENIGMA.
Comment: Variant allele predicted to encode a truncated non-functional protein.

Ambry Genetics
Classification: Pathogenic for Hereditary cancer-predisposing syndrome. Last evaluated: 2025-06-02. Review status: criteria provided, single submitter. Criteria: Ambry Variant Classification Scheme 2023. Collection method: clinical testing. Allele origin: germline. Not counted in ClinVar's aggregate classification.
Comment: The c.4674delA pathogenic mutation, located in coding exon 13 of the BRCA1 gene, results from a deletion of one nucleotide at nucleotide position 4674, causing a translational frameshift with a predicted alternate stop codon (p.E1559Rfs*42). This variant is considered to be rare based on population cohorts in the Genome Aggregation Database (gnomAD). This alteration is expected to result in loss of function by premature protein truncation or nonsense-mediated mRNA decay. As such, this alteration is interpreted as a disease-causing mutation.

Consortium of Investigators of Modifiers of BRCA1/2 (CIMBA), c/o University of Cambridge
Classification: Pathogenic for Breast-ovarian cancer, familial, susceptibility to, 1. Last evaluated: 2015-10-02. Review status: criteria provided, single submitter. Criteria: CIMBA Mutation Classification guidelines May 2016. Collection method: clinical testing. Allele origin: germline. Not counted in ClinVar's aggregate classification.

NM_007294.4(BRCA1):c.4674del (p.Glu1559fs)

Gene: BRCA1 (BRCA1 DNA repair associated; minus strand). Cytogenetic location: 17q21.31.
Variant type: Deletion.
Coding change: c.4674del on transcript NM_007294.4 (MANE Select); coding-DNA position 4674, one base deleted (A; older notation c.4674delA).
Protein change: p.Glu1559fs; shifts the reading frame from glutamic acid 1559.
Molecular consequence: frameshift variant. On other transcripts: non-coding transcript variant (1).
Genome position (GRCh38, 1-based): chr17:43,074,332, T deleted on the plus strand (A on the coding strand, the reverse complement: BRCA1 is on the minus strand). VCF-style (leftmost placement, unchanged base first): chr17-43074331-CT-C. GRCh37 (hg19) VCF-style: chr17-41226348-CT-C.
Other names: c.4461delA, p.Glu1488Argfs (NM_001407571.1, NM_001407894.1, NM_001407895.1 and 12 more transcripts); c.4740delA, p.Glu1581Argfs (NM_001407581.1, NM_001407582.1); c.4737delA, p.Glu1580Argfs (NM_001407583.1, NM_001407585.1, NM_001407587.1); c.4734delA, p.Glu1579Argfs (NM_001407590.1, NM_001407591.1); c.4674delA, p.Glu1559Argfs (NM_001407593.1, NM_001407594.1, NM_001407596.1 and 8 more transcripts); c.4671delA, p.Glu1558Argfs (NM_001407610.1, NM_001407611.1, NM_001407612.1 and 17 more transcripts); c.4668delA, p.Glu1557Argfs (NM_001407627.1, NM_001407628.1, NM_001407629.1 and 14 more transcripts); c.4665delA, p.Glu1556Argfs (NM_001407644.1, NM_001407645.1); and 71 more; short protein forms E1512fs, E1580fs, E455fs, E1559fs.
Identifiers: ClinVar variation 267552 (VCV000267552.5), dbSNP rs886040911, ClinGen allele CA10602587.